The following is an entry in ClinVar:

ClinVar aggregate classification (germline): Likely pathogenic (1 of 4 stars; one submission).

Conditions:
Duchenne muscular dystrophy (DMD). Also called: Duchenne Muscular Dystrophy (DMD); MUSCULAR DYSTROPHY, PSEUDOHYPERTROPHIC PROGRESSIVE, DUCHENNE TYPE. Identifiers: Orphanet 98896, MedGen C0013264, MONDO:0010679, OMIM 310200.

Submission:

Labcorp Genetics (formerly Invitae), Labcorp
Classification: Likely pathogenic for Duchenne muscular dystrophy. Last evaluated: 2019-11-07. Review status: criteria provided, single submitter. Criteria: Invitae Variant Classification Sherloc (09022015). Collection method: clinical testing. Allele origin: germline.
Comment: This variant is an in-frame deletion of the genomic region encompassing exons 54-55 of the DMD gene. It preserves the integrity of the reading frame. A similar copy number variant has been observed in individual(s) affected with DMD-related conditions (PMID: 16770791, Invitae). In summary, the currently available evidence indicates that the variant is pathogenic, but additional data are needed to prove that conclusively. Therefore, this variant has been classified as Likely Pathogenic.

Literature cited by the submitters: PubMed 16770791.

NC_000023.11:g.(?_31609621)_(31658154_?)del

Gene: DMD (dystrophin; minus strand). Cytogenetic location: Xp21.1.
Variant type: Deletion.
Identifiers: ClinVar variation 831858 (VCV000831858.1).